The following is an entry in ClinVar:

NM_025137.4(SPG11):c.3095C>G (p.Pro1032Arg)

Gene: SPG11 (SPG11 vesicle trafficking associated, spatacsin; minus strand). Cytogenetic location: 15q21.1.
Variant type: single nucleotide variant.
Coding change: c.3095C>G on transcript NM_025137.4 (MANE Select); coding-DNA position 3095, C replaced by G.
Protein change: p.Pro1032Arg; replaces proline 1032 with arginine.
Molecular consequence: missense variant.
Genome position (GRCh38, 1-based): chr15:44,613,480, G>C on the plus strand (C>G on the coding strand, the complement: SPG11 is on the minus strand). VCF-style: chr15-44613480-G-C. GRCh37 (hg19) VCF-style: chr15-44905678-G-C.
Other names: c.3095C>G, p.Pro1032Arg (NM_001160227.2); short protein forms P1032R.
Identifiers: ClinVar variation 1004251 (VCV001004251.8), dbSNP rs141106870, ClinGen allele CA392228517.

ClinVar aggregate classification (germline): Uncertain significance (1 of 4 stars; one submission).

Conditions:
Hereditary spastic paraplegia 11. Also called: Spastic Paraplegia 11; SPASTIC PARAPLEGIA, AUTOSOMAL RECESSIVE, COMPLICATED, WITH THIN CORPUS CALLOSUM; SPASTIC PARAPLEGIA, AUTOSOMAL RECESSIVE, WITH MENTAL IMPAIRMENT AND THIN CORPUS CALLOSUM; Nakamura Osame syndrome; Autosomal recessive hereditary spastic paraplegia, mental impairment, and thin corpus callosum; Spastic paraplegia, mental retardation and thin corpus callosum. Identifiers: Orphanet 2822, MedGen C1858479, MONDO:0011445, OMIM 604360.

Submission:

Labcorp Genetics (formerly Invitae), Labcorp
Classification: Uncertain significance for Hereditary spastic paraplegia 11. Last evaluated: 2020-07-20. Review status: criteria provided, single submitter. Criteria: Invitae Variant Classification Sherloc (09022015). Collection method: clinical testing. Allele origin: germline.
Comment: In summary, the available evidence is currently insufficient to determine the role of this variant in disease. Therefore, it has been classified as a Variant of Uncertain Significance. Algorithms developed to predict the effect of missense changes on protein structure and function (SIFT, PolyPhen-2, Align-GVGD) all suggest that this variant is likely to be disruptive, but these predictions have not been confirmed by published functional studies and their clinical significance is uncertain. This variant has not been reported in the literature in individuals with SPG11-related conditions. This variant is not present in population databases (ExAC no frequency). This sequence change replaces proline with arginine at codon 1032 of the SPG11 protein (p.Pro1032Arg). The proline residue is highly conserved and there is a moderate physicochemical difference between proline and arginine.